The following is an entry in ClinVar:

ClinVar aggregate classification (germline): Uncertain significance. Review status: criteria provided, multiple submitters, no conflicts (2 of 4 stars). 2 submissions from 2 submitters: Uncertain significance (2). Last evaluated 2025-01-02.

Conditions:
Inborn genetic diseases. Identifiers: MedGen C0950123, MeSH D030342.

Submissions (2):

GeneDx
Classification: Uncertain significance. Last evaluated: 2025-01-02. Review status: criteria provided, single submitter. Criteria: GeneDx Variant Classification Process June 2021. Collection method: clinical testing. Allele origin: germline. Affected: yes.
Comment: Not observed at significant frequency in large population cohorts (gnomAD); In silico analysis supports that this missense variant has a deleterious effect on protein structure/function; Has not been previously published as pathogenic or benign to our knowledge

Ambry Genetics
Classification: Uncertain significance for Inborn genetic diseases. Last evaluated: 2024-03-07. Review status: criteria provided, single submitter. Criteria: Ambry Variant Classification Scheme 2023. Collection method: clinical testing. Allele origin: germline.

NM_017934.7(PHIP):c.2396G>T (p.Arg799Ile)

Gene: PHIP (PHIP subunit of CUL4-Ring ligase complex; minus strand). Cytogenetic location: 6q14.1.
Variant type: single nucleotide variant.
Coding change: c.2396G>T on transcript NM_017934.7 (MANE Select); coding-DNA position 2396, G replaced by T.
Protein change: p.Arg799Ile; replaces arginine 799 with isoleucine.
Molecular consequence: missense variant.
Genome position (GRCh38, 1-based): chr6:78,988,273, C>A on the plus strand (G>T on the coding strand, the complement: PHIP is on the minus strand). VCF-style: chr6-78988273-C-A. GRCh37 (hg19) VCF-style: chr6-79697990-C-A.
Other names: short protein forms R799I.
Identifiers: ClinVar variation 3212211 (VCV003212211.2), dbSNP rs2481990382, ClinGen allele CA364650731.